The following is an entry in ClinVar:

ClinVar aggregate classification (germline): Uncertain significance (1 of 4 stars; one submission).

Conditions:
Neuroblastoma, susceptibility to, 3. Also called: ALK-Related Neuroblastic Tumor Susceptibility. Identifiers: Orphanet 635, MedGen C2751681, MONDO:0013083, OMIM 613014.

Submission:

Labcorp Genetics (formerly Invitae), Labcorp
Classification: Uncertain significance for Neuroblastoma, susceptibility to, 3. Last evaluated: 2025-04-14. Review status: criteria provided, single submitter. Criteria: Invitae Variant Classification Sherloc (09022015). Collection method: clinical testing. Allele origin: germline.
Comment: This sequence change replaces valine, which is neutral and non-polar, with glycine, which is neutral and non-polar, at codon 759 of the ALK protein (p.Val759Gly). This variant is not present in population databases (gnomAD no frequency). This variant has not been reported in the literature in individuals affected with ALK-related conditions. ClinVar contains an entry for this variant (Variation ID: 999526). An algorithm developed to predict the effect of missense changes on protein structure and function (PolyPhen-2) suggests that this variant is likely to be disruptive. In summary, the available evidence is currently insufficient to determine the role of this variant in disease. Therefore, it has been classified as a Variant of Uncertain Significance.

NM_004304.5(ALK):c.2276T>G (p.Val759Gly)

Gene: ALK (ALK receptor tyrosine kinase; minus strand). Cytogenetic location: 2p23.2.
Variant type: single nucleotide variant.
Coding change: c.2276T>G on transcript NM_004304.5 (MANE Select); coding-DNA position 2276, T replaced by G.
Protein change: p.Val759Gly; replaces valine 759 with glycine.
Molecular consequence: missense variant.
Genome position (GRCh38, 1-based): chr2:29,239,759, A>C on the plus strand (T>G on the coding strand, the complement: ALK is on the minus strand). VCF-style: chr2-29239759-A-C. GRCh37 (hg19) VCF-style: chr2-29462625-A-C.
Other names: short protein forms V759G.
Identifiers: ClinVar variation 999526 (VCV000999526.9), dbSNP rs1664474690, ClinGen allele CA346474517.